The following is an entry in ClinVar:

ClinVar aggregate classification (germline): Conflicting classifications of pathogenicity. Review status: criteria provided, conflicting classifications (1 of 4 stars). 3 submissions from 3 submitters: Uncertain significance (2); Likely benign (1). Last evaluated 2025-09-02.

Allele frequency attached by ClinVar (database versions not stated): TOPMed 0.00037; gnomAD 0.00032 and 0.00034; ExAC 0.00034; gnomAD exomes 0.00035 and 0.00041; ESP Exome Variant Server 0.00054.
gnomAD v4.1: 644 of 1,606,662 alleles (0.04%); highest among the groups gnomAD compares: Non-Finnish European, 0.051%; 2 homozygotes.

Submissions (3):

Labcorp Genetics (formerly Invitae), Labcorp
Classification: Uncertain significance. Last evaluated: 2025-09-02. Review status: criteria provided, single submitter. Criteria: Invitae Variant Classification Sherloc (09022015). Collection method: clinical testing. Allele origin: germline.
Comment: This sequence change replaces isoleucine, which is neutral and non-polar, with valine, which is neutral and non-polar, at codon 268 of the PCK2 protein (p.Ile268Val). This variant is present in population databases (rs146890792, gnomAD 0.06%), and has an allele count higher than expected for a pathogenic variant. This variant has not been reported in the literature in individuals affected with PCK2-related conditions. ClinVar contains an entry for this variant (Variation ID: 423170). Invitae Evidence Modeling of protein sequence and biophysical properties (such as structural, functional, and spatial information, amino acid conservation, physicochemical variation, residue mobility, and thermodynamic stability) indicates that this missense variant is not expected to disrupt PCK2 protein function with a negative predictive value of 80%. In summary, the available evidence is currently insufficient to determine the role of this variant in disease. Therefore, it has been classified as a Variant of Uncertain Significance.

Ambry Genetics
Classification: Uncertain significance. Last evaluated: 2024-11-09. Review status: criteria provided, single submitter. Criteria: Ambry Variant Classification Scheme 2023. Collection method: clinical testing. Allele origin: germline.

GeneDx
Classification: Likely benign. Last evaluated: 2020-09-02. Review status: criteria provided, single submitter. Criteria: GeneDx Variant Classification Process June 2021. Collection method: clinical testing. Allele origin: germline. Affected: yes.
Comment: In silico analysis supports that this missense variant does not alter protein structure/function; Has not been previously published as pathogenic or benign to our knowledge

NM_004563.4(PCK2):c.802A>G (p.Ile268Val)

Genes: PCK2 (phosphoenolpyruvate carboxykinase 2, mitochondrial; plus strand), NRL (neural retina leucine zipper; minus strand). Cytogenetic location: 14q11.2.
Variant type: single nucleotide variant.
Coding change: c.802A>G on transcript NM_004563.4 (MANE Select); coding-DNA position 802, A replaced by G.
Protein change: p.Ile268Val; replaces isoleucine 268 with valine.
Molecular consequence: missense variant. On other transcripts: intron variant (3).
Genome position (GRCh38, 1-based): chr14:24,099,186, A>G. VCF-style: chr14-24099186-A-G. GRCh37 (hg19) VCF-style: chr14-24568395-A-G.
Other names: c.802A>G, p.Ile268Val (NM_001018073.3); c.400A>G, p.Ile134Val (NM_001291556.2, NM_001308054.2); c.-28+15536T>C (NM_001354768.3, NM_001354770.2); c.-253-14441T>C (NM_006177.5); short protein forms I268V, I134V.
Identifiers: ClinVar variation 423170 (VCV000423170.11), dbSNP rs146890792, ClinGen allele CA7123232.